The following is an entry in ClinVar:

ClinVar aggregate classification (germline): Uncertain significance. Review status: criteria provided, multiple submitters, no conflicts (2 of 4 stars). 2 submissions from 2 submitters: Uncertain significance (2). Last evaluated 2024-07-16.

Conditions:
Inborn genetic diseases. Identifiers: MedGen C0950123, MeSH D030342.
PHGDH deficiency. Identifiers: Orphanet 79351, MedGen C1866174, MONDO:0011152, OMIM 601815.

Allele frequency attached by ClinVar (database versions not stated): gnomAD 0.00001; ExAC 0.00002; gnomAD exomes 0.00002; TOPMed 0.00002.

Submissions (2):

Ambry Genetics
Classification: Uncertain significance for Inborn genetic diseases. Last evaluated: 2024-07-16. Review status: criteria provided, single submitter. Criteria: Ambry Variant Classification Scheme 2023. Collection method: clinical testing. Allele origin: germline.

Labcorp Genetics (formerly Invitae), Labcorp
Classification: Uncertain significance for PHGDH deficiency. Last evaluated: 2022-04-18. Review status: criteria provided, single submitter. Criteria: Invitae Variant Classification Sherloc (09022015). Collection method: clinical testing. Allele origin: germline.
Comment: This sequence change replaces serine, which is neutral and polar, with leucine, which is neutral and non-polar, at codon 127 of the PHGDH protein (p.Ser127Leu). This variant is present in population databases (rs746529669, gnomAD 0.006%). This variant has not been reported in the literature in individuals affected with PHGDH-related conditions. Algorithms developed to predict the effect of missense changes on protein structure and function are either unavailable or do not agree on the potential impact of this missense change (SIFT: "Deleterious"; PolyPhen-2: "Probably Damaging"; Align-GVGD: "Class C0"). In summary, the available evidence is currently insufficient to determine the role of this variant in disease. Therefore, it has been classified as a Variant of Uncertain Significance.

NM_006623.4(PHGDH):c.380C>T (p.Ser127Leu)

Gene: PHGDH (phosphoglycerate dehydrogenase; plus strand). Cytogenetic location: 1p12.
Variant type: single nucleotide variant.
Coding change: c.380C>T on transcript NM_006623.4 (MANE Select); coding-DNA position 380, C replaced by T.
Protein change: p.Ser127Leu; replaces serine 127 with leucine.
Molecular consequence: missense variant.
Genome position (GRCh38, 1-based): chr1:119,726,874, C>T. VCF-style: chr1-119726874-C-T. GRCh37 (hg19) VCF-style: chr1-120269497-C-T.
Other names: c.380C>T (NM_006623.3); short protein forms S127L.
Identifiers: ClinVar variation 2143022 (VCV002143022.2), dbSNP rs746529669, ClinGen allele CA1037070.